The following is an entry in ClinVar:

NM_001376.5(DYNC1H1):c.12276-3C>T

Gene: DYNC1H1 (dynein cytoplasmic 1 heavy chain 1; plus strand). Cytogenetic location: 14q32.31.
Variant type: single nucleotide variant.
Coding change: c.12276-3C>T on transcript NM_001376.5 (MANE Select); 3 bases into the intron before coding-DNA position 12276, C replaced by T.
Molecular consequence: intron variant.
Genome position (GRCh38, 1-based): chr14:102,042,381, C>T. VCF-style: chr14-102042381-C-T. GRCh37 (hg19) VCF-style: chr14-102508718-C-T.
Identifiers: ClinVar variation 2155086 (VCV002155086.4), dbSNP rs1443280002, ClinGen allele CA616580411.

ClinVar aggregate classification (germline): Uncertain significance (1 of 4 stars; one submission).

Conditions:
Charcot-Marie-Tooth disease axonal type 2O. Also called: CHARCOT-MARIE-TOOTH DISEASE, AXONAL, AUTOSOMAL DOMINANT, TYPE 2O; CHARCOT-MARIE-TOOTH NEUROPATHY, AXONAL, TYPE 2O; Charcot-Marie-Tooth Neuropathy Type 2O; Charcot-Marie-Tooth disease, axonal, type 20. Identifiers: Orphanet 284232, MedGen C3280220, MONDO:0013644, OMIM 614228.

Allele frequency attached by ClinVar (database versions not stated): gnomAD exomes 0.00001.
gnomAD v4.1: 18 of 1,614,030 alleles (0.0011%); highest among the groups gnomAD compares: Non-Finnish European, 0.0015%; no homozygotes.

Submission:

Labcorp Genetics (formerly Invitae), Labcorp
Classification: Uncertain significance for Charcot-Marie-Tooth disease axonal type 2O. Last evaluated: 2022-08-19. Review status: criteria provided, single submitter. Criteria: Invitae Variant Classification Sherloc (09022015). Collection method: clinical testing. Allele origin: germline.
Comment: In summary, the available evidence is currently insufficient to determine the role of this variant in disease. Therefore, it has been classified as a Variant of Uncertain Significance. Variants that disrupt the consensus splice site are a relatively common cause of aberrant splicing (PMID: 17576681, 9536098). Algorithms developed to predict the effect of sequence changes on RNA splicing suggest that this variant may create or strengthen a splice site. This variant has not been reported in the literature in individuals affected with DYNC1H1-related conditions. This variant is present in population databases (no rsID available, gnomAD 0.007%). This sequence change falls in intron 67 of the DYNC1H1 gene. It does not directly change the encoded amino acid sequence of the DYNC1H1 protein. It affects a nucleotide within the consensus splice site.

Literature cited by the submitters: PubMed 17576681; PubMed 9536098.